The following is an entry in ClinVar:

NM_139343.3(BIN1):c.285C>T (p.Pro95=)

Gene: BIN1 (bridging integrator 1; minus strand). Cytogenetic location: 2q14.3.
Variant type: single nucleotide variant.
Coding change: c.285C>T on transcript NM_139343.3 (MANE Select); coding-DNA position 285, C replaced by T.
Protein change: p.Pro95=; no amino-acid change (proline 95 retained).
Molecular consequence: synonymous variant.
Genome position (GRCh38, 1-based): chr2:127,070,583, G>A on the plus strand (C>T on the coding strand, the complement: BIN1 is on the minus strand). VCF-style: chr2-127070583-G-A. GRCh37 (hg19) VCF-style: chr2-127828159-G-A.
Other names: c.285C>T, p.Pro95= (NM_001320632.2, NM_001320633.2, NM_001320640.2 and 10 more transcripts); c.213C>T, p.Pro71= (NM_001320634.1); c.204C>T, p.Pro68= (NM_001320642.1).
Identifiers: ClinVar variation 705691 (VCV000705691.12), dbSNP rs377467117, ClinGen allele CA1857527.

ClinVar aggregate classification (germline): Likely benign. Review status: criteria provided, multiple submitters, no conflicts (2 of 4 stars). 3 submissions from 3 submitters: Likely benign (2). 1 of the submissions does not count toward it. Last evaluated 2025-12-27.

Conditions:
BIN1-related disorder. Also called: BIN1-related condition.
Myopathy, centronuclear, 2 (CNM2). Also called: MYOTUBULAR MYOPATHY, AUTOSOMAL RECESSIVE. Identifiers: Orphanet 169186, MedGen CN031787, MONDO:0009709, OMIM 255200.

Allele frequency attached by ClinVar (database versions not stated): gnomAD 0.00007 and 0.00008; TOPMed 0.00010; ExAC 0.00012; ESP Exome Variant Server 0.00015.
gnomAD v4.1: 105 of 1,613,928 alleles (0.0065%); highest among the groups gnomAD compares: South Asian, 0.078%; no homozygotes.

Submissions (3):

Labcorp Genetics (formerly Invitae), Labcorp
Classification: Likely benign for Myopathy, centronuclear, 2. Last evaluated: 2025-12-27. Review status: criteria provided, single submitter. Criteria: Invitae Variant Classification Sherloc (09022015). Collection method: clinical testing. Allele origin: germline.

Blueprint Genetics
Classification: Likely benign. Last evaluated: 2020-12-18. Review status: criteria provided, single submitter. Criteria: ACMG Guidelines, 2015. Collection method: clinical testing. Allele origin: germline.

PreventionGenetics, part of Exact Sciences
Classification: Likely benign for BIN1-related condition. Last evaluated: 2019-03-21. Review status: no assertion criteria provided. Collection method: clinical testing. Allele origin: germline. Not counted in ClinVar's aggregate classification.
Comment: This variant is classified as likely benign based on ACMG/AMP sequence variant interpretation guidelines (Richards et al. 2015 PMID: 25741868, with internal and published modifications).